The following is an entry in ClinVar:

NM_017636.4(TRPM4):c.1027G>A (p.Asp343Asn)

Gene: TRPM4 (transient receptor potential cation channel subfamily M member 4; plus strand). Cytogenetic location: 19q13.33.
Variant type: single nucleotide variant.
Coding change: c.1027G>A on transcript NM_017636.4 (MANE Select); coding-DNA position 1027, G replaced by A.
Protein change: p.Asp343Asn; replaces aspartic acid 343 with asparagine.
Molecular consequence: missense variant. On other transcripts: 5 prime UTR variant (1).
Genome position (GRCh38, 1-based): chr19:49,171,746, G>A. VCF-style: chr19-49171746-G-A. GRCh37 (hg19) VCF-style: chr19-49675003-G-A.
Other names: c.1027G>A, p.Asp343Asn (NM_001195227.2); c.682G>A, p.Asp228Asn (NM_001321281.2); c.-527G>A (NM_001321282.2); c.505G>A, p.Asp169Asn (NM_001321283.2); c.178G>A, p.Asp60Asn (NM_001321285.2); short protein forms D343N, D169N, D60N, D228N.
Identifiers: ClinVar variation 4615264 (VCV004615264.1).

ClinVar aggregate classification (germline): Uncertain significance (1 of 4 stars; one submission).

Conditions:
Cardiovascular phenotype. Identifiers: MedGen CN230736.

gnomAD v4.1: 1 of 1,611,590 alleles (0.000062%); highest among the groups gnomAD compares: Non-Finnish European, 0.000085%; no homozygotes.

Submission:

Ambry Genetics
Classification: Uncertain significance for Cardiovascular phenotype. Last evaluated: 2025-10-01. Review status: criteria provided, single submitter. Criteria: Ambry Variant Classification Scheme 2023. Collection method: clinical testing. Allele origin: germline.
Comment: The p.D343N variant (also known as c.1027G>A), located in coding exon 8 of the TRPM4 gene, results from a G to A substitution at nucleotide position 1027. The aspartic acid at codon 343 is replaced by asparagine, an amino acid with highly similar properties. This amino acid position is conserved. In addition, this alteration is predicted to be tolerated by in silico analysis. Based on the available evidence, the clinical significance of this variant remains unclear.